The following is an entry in ClinVar:

ClinVar aggregate classification (germline): Pathogenic (1 of 4 stars; one submission).

Submission:

Labcorp Genetics (formerly Invitae), Labcorp
Classification: Pathogenic. Last evaluated: 2023-12-06. Review status: criteria provided, single submitter. Criteria: Invitae Variant Classification Sherloc (09022015). Collection method: clinical testing. Allele origin: germline.
Comment: This sequence change creates a premature translational stop signal (p.Leu147Argfs*9) in the TULP1 gene. It is expected to result in an absent or disrupted protein product. Loss-of-function variants in TULP1 are known to be pathogenic (PMID: 8606774, 10549638, 15024725, 18055821). This variant is not present in population databases (gnomAD no frequency). This variant has not been reported in the literature in individuals affected with TULP1-related conditions. For these reasons, this variant has been classified as Pathogenic.

Literature cited by the submitters: PubMed 8606774; PubMed 10549638; PubMed 15024725; PubMed 18055821.

NM_003322.6(TULP1):c.440del (p.Leu147fs)

Gene: TULP1 (TUB like protein 1; minus strand). Cytogenetic location: 6p21.31.
Variant type: Deletion.
Coding change: c.440del on transcript NM_003322.6 (MANE Select); coding-DNA position 440, one base deleted (T; older notation c.440delT).
Protein change: p.Leu147fs; shifts the reading frame from leucine 147.
Molecular consequence: frameshift variant.
Genome position (GRCh38, 1-based): chr6:35,510,920, A deleted on the plus strand (T on the coding strand, the reverse complement: TULP1 is on the minus strand). VCF-style (leftmost placement, unchanged base first): chr6-35510919-CA-C. GRCh37 (hg19) VCF-style: chr6-35478696-CA-C.
Other names: c.281del, p.Leu94fs (NM_001289395.2); short protein forms L94fs, L147fs.
Identifiers: ClinVar variation 3005519 (VCV003005519.3), dbSNP rs1761185782, ClinGen allele CA1620929715.